The following is an entry in ClinVar:

NM_001005373.4(LRSAM1):c.548C>T (p.Ser183Leu)

Gene: LRSAM1 (leucine rich repeat and sterile alpha motif containing 1; plus strand). Cytogenetic location: 9q33.3.
Variant type: single nucleotide variant.
Coding change: c.548C>T on transcript NM_001005373.4 (MANE Select); coding-DNA position 548, C replaced by T.
Protein change: p.Ser183Leu; replaces serine 183 with leucine.
Molecular consequence: missense variant. On other transcripts: 5 prime UTR variant (1), non-coding transcript variant (2).
Genome position (GRCh38, 1-based): chr9:127,467,759, C>T. VCF-style: chr9-127467759-C-T. GRCh37 (hg19) VCF-style: chr9-130230038-C-T.
Other names: p.Ser183Leu; c.548C>T, p.Ser183Leu (NM_001190723.3, NM_001384142.1, NM_001384143.1 and 2 more transcripts); c.-237C>T (NM_001384144.1); short protein forms S183L.
Identifiers: ClinVar variation 365014 (VCV000365014.27), dbSNP rs75690855, ClinGen allele CA5246595.
Genomic context (GRCh38, chr9:127,467,759, plus strand): 5'-TTGGTAGCGAACAGTAAAGCGGGTTACCCTTGTGTCTGCAGATGCTGAGCCTTGACGCCT[C>T]GGCCATGGTCTACCCGCCGCGGGAGGTGTGTGGTGCCGGCACTGCGGCCATCTTGCAGTT-3'
Protein context (NP_001005373.1, residues 173-193): RTLEMLSLDA[Ser183Leu]AMVYPPREVC

ClinVar aggregate classification (germline): Benign. Review status: criteria provided, multiple submitters, no conflicts (2 of 4 stars). 7 submissions from 7 submitters: Benign (7). Last evaluated 2026-01-28.

Conditions:
Charcot-Marie-Tooth disease axonal type 2P. Also called: CHARCOT-MARIE-TOOTH NEUROPATHY, TYPE 2P; Charcot-Marie-Tooth Neuropathy Type 2G; CHARCOT-MARIE-TOOTH DISEASE, AXONAL, TYPE 2G; CMT 2G. Identifiers: Orphanet 300319, Orphanet 99941, MedGen C3280797, MONDO:0013753, OMIM 614436.
Charcot-Marie-Tooth disease. Also called: Charcot-Marie-Tooth Neuropathy; Charcot-Marie-Tooth Hereditary Neuropathy. Identifiers: Orphanet 166, MedGen C0007959, MONDO:0015626.

Allele frequency attached by ClinVar (database versions not stated): gnomAD exomes 0.00317 and 0.00798; ExAC 0.01367; 1000 Genomes Project 0.02576; 1000 Genomes Project 30x 0.02686; gnomAD 0.03175 and 0.03450; TOPMed 0.03622; ESP Exome Variant Server 0.03783.
gnomAD v4.1: 9,592 of 1,610,262 alleles (0.6%); highest among the groups gnomAD compares: African/African-American, 11%; 459 homozygotes.

Submissions (7):

Labcorp Genetics (formerly Invitae), Labcorp
Classification: Benign for Charcot-Marie-Tooth disease axonal type 2P. Last evaluated: 2026-01-28. Review status: criteria provided, single submitter. Criteria: Invitae Variant Classification Sherloc (09022015). Collection method: clinical testing. Allele origin: germline.

ARUP Laboratories, Molecular Genetics and Genomics, ARUP Laboratories
Classification: Benign for Charcot-Marie-Tooth disease axonal type 2P. Last evaluated: 2023-11-06. Review status: criteria provided, single submitter. Criteria: ARUP Molecular Germline Variant Investigation Process 2024. Collection method: clinical testing. Allele origin: germline.

Illumina Laboratory Services, Illumina
Classification: Benign for Charcot-Marie-Tooth disease axonal type 2P. Last evaluated: 2018-01-13. Review status: criteria provided, single submitter. Criteria: ICSL Variant Classification Criteria 13 December 2019. Collection method: clinical testing. Allele origin: germline.
Comment: This variant was observed in the ICSL laboratory as part of a predisposition screen in an ostensibly healthy population. It had not been previously curated by ICSL or reported in the Human Gene Mutation Database (HGMD: prior to June 1st, 2018), and was therefore a candidate for classification through an automated scoring system. Utilizing variant allele frequency, disease prevalence and penetrance estimates, and inheritance mode, an automated score was calculated to assess if this variant is too frequent to cause the disease. Based on the score and internal cut-off values, a variant classified as benign is not then subjected to further curation. The score for this variant resulted in a classification of benign for this disease.

Mayo Clinic Laboratories, Mayo Clinic
Classification: Benign. Last evaluated: 2016-05-13. Review status: criteria provided, single submitter. Criteria: ACMG Guidelines, 2015. Collection method: clinical testing. Allele origin: germline. Observed: 21 variant alleles.

GeneDx
Classification: Benign. Last evaluated: 2015-03-03. Review status: criteria provided, single submitter. Criteria: GeneDx Variant Classification Process June 2021. Collection method: clinical testing. Allele origin: germline. Affected: yes.

Breakthrough Genomics
Classification: Benign. Review status: criteria provided, single submitter. Criteria: ACMG Guidelines, 2015. Collection method: not provided. Allele origin: germline. Inheritance: Autosomal dominant inheritance. Affected: yes.

Molecular Genetics Laboratory, London Health Sciences Centre
Classification: Benign for Charcot-Marie-Tooth disease. Review status: criteria provided, single submitter. Criteria: ACMG Guidelines, 2015. Collection method: clinical testing. Allele origin: germline. Affected: yes.